The following is an entry in ClinVar:

ClinVar aggregate classification (germline): Pathogenic (0 of 4 stars; one submission).

Conditions:
Fanconi anemia complementation group A (FANCA). Also called: Fanconi anemia, group A; FANCA-Related Fanconi Anemia. Identifiers: Orphanet 84, MedGen C3469521, MONDO:0009215, OMIM 227650.

Submission:

Leiden Open Variation Database
Classification: Pathogenic for Fanconi anemia complementation group A. Last evaluated: 2020-02-28. Review status: no assertion criteria provided. Collection method: curation. Allele origin: germline. Affected: yes.
Comment: Curator: Arleen D. Auerbach. Submitter to LOVD: Arleen D. Auerbach.

Literature cited by the submitters: PubMed 25168418.

NC_000016.10:g.(89808368_89810706)_(89811072_89814519)del

Gene: FANCA (FA complementation group A; minus strand). Cytogenetic location: 16q24.3.
Variant type: Deletion.
Identifiers: ClinVar variation 974090 (VCV000974090.1).